The following is an entry in ClinVar:

NM_152564.5(VPS13B):c.11710C>G (p.Gln3904Glu)

Gene: VPS13B (vacuolar protein sorting 13 homolog B; plus strand). Cytogenetic location: 8q22.2.
Variant type: single nucleotide variant.
Coding change: c.11710C>G on transcript NM_152564.5 (MANE Select); coding-DNA position 11710, C replaced by G.
Protein change: p.Gln3904Glu; replaces glutamine 3904 with glutamic acid.
Molecular consequence: missense variant.
Genome position (GRCh38, 1-based): chr8:99,871,662, C>G. VCF-style: chr8-99871662-C-G. GRCh37 (hg19) VCF-style: chr8-100883890-C-G.
Other names: c.11710C>G (NM_152564.4); c.11785C>G (NM_017890.3); c.11785C>G, p.Gln3929Glu (NM_017890.5); short protein forms Q3904E, Q3929E.
Identifiers: ClinVar variation 198309 (VCV000198309.18), dbSNP rs545957190, ClinGen allele CA246882.

ClinVar aggregate classification (germline): Uncertain significance. Review status: criteria provided, multiple submitters, no conflicts (2 of 4 stars). 6 submissions from 6 submitters: Uncertain significance (4). 2 of the submissions do not count toward it. Last evaluated 2026-01-20.

Conditions:
VPS13B-related disorder. Also called: VPS13B-related condition.
Cohen syndrome (COH1). Also called: Cutis verticis gyrata, retinitis pigmentosa, and sensorineural deafness; PEPPER SYNDROME. Identifiers: Orphanet 193, MedGen C0265223, MONDO:0008999, OMIM 216550.

Allele frequency attached by ClinVar (database versions not stated): gnomAD 0.00003 and 0.00005; TOPMed 0.00003; gnomAD exomes 0.00005 and 0.00009; ExAC 0.00012; 1000 Genomes Project 30x 0.00031; 1000 Genomes Project 0.00040.
gnomAD v4.1: 82 of 1,614,034 alleles (0.0051%); highest among the groups gnomAD compares: Middle Eastern, 0.13%; no homozygotes.

Submissions (6):

Labcorp Genetics (formerly Invitae), Labcorp
Classification: Uncertain significance for Cohen syndrome. Last evaluated: 2026-01-20. Review status: criteria provided, single submitter. Criteria: Invitae Variant Classification Sherloc (09022015). Collection method: clinical testing. Allele origin: germline.
Comment: This sequence change replaces glutamine, which is neutral and polar, with glutamic acid, which is acidic and polar, at codon 3929 of the VPS13B protein (p.Gln3929Glu). This variant is present in population databases (rs545957190, gnomAD 0.04%). This variant has not been reported in the literature in individuals affected with VPS13B-related conditions. ClinVar contains an entry for this variant (Variation ID: 198309). Invitae Evidence Modeling of protein sequence and biophysical properties (such as structural, functional, and spatial information, amino acid conservation, physicochemical variation, residue mobility, and thermodynamic stability) indicates that this missense variant is not expected to disrupt VPS13B protein function with a negative predictive value of 80%. In summary, the available evidence is currently insufficient to determine the role of this variant in disease. Therefore, it has been classified as a Variant of Uncertain Significance.

Blueprint Genetics
Classification: Uncertain significance. Last evaluated: 2024-10-09. Review status: criteria provided, single submitter. Criteria: ACMG Guidelines, 2015. Collection method: clinical testing. Allele origin: germline.

GeneDx
Classification: Uncertain significance. Last evaluated: 2022-10-05. Review status: criteria provided, single submitter. Criteria: GeneDx Variant Classification Process June 2021. Collection method: clinical testing. Allele origin: germline. Affected: yes.
Comment: Has not been previously published as pathogenic or benign to our knowledge; In silico analysis supports that this missense variant does not alter protein structure/function; This variant is associated with the following publications: (PMID: 26582918, 27535533)

Eurofins Ntd Llc (ga)
Classification: Uncertain significance. Last evaluated: 2014-06-26. Review status: criteria provided, single submitter. Criteria: EGL Classification Definitions 2015. Collection method: clinical testing. Allele origin: germline. Observed: 1 variant allele, 1 heterozygote.

PreventionGenetics, part of Exact Sciences
Classification: Uncertain significance for VPS13B-related condition. Last evaluated: 2024-04-10. Review status: no assertion criteria provided. Collection method: clinical testing. Allele origin: germline. Not counted in ClinVar's aggregate classification.
Comment: The VPS13B c.11710C>G variant is predicted to result in the amino acid substitution p.Gln3904Glu. To our knowledge, this variant has not been reported in the literature. This variant is reported in 0.033% of alleles in individuals of South Asian descent in gnomAD. At this time, the clinical significance of this variant is uncertain due to the absence of conclusive functional and genetic evidence.

Natera, Inc.
Classification: Uncertain significance for Cohen syndrome. Last evaluated: 2020-02-11. Review status: no assertion criteria provided. Collection method: clinical testing. Allele origin: germline. Not counted in ClinVar's aggregate classification.